The following is an entry in ClinVar:

NM_001286.5(CLCN6):c.1805G>T (p.Ser602Ile)

Gene: CLCN6 (chloride voltage-gated channel 6; plus strand). Cytogenetic location: 1p36.22.
Variant type: single nucleotide variant.
Coding change: c.1805G>T on transcript NM_001286.5 (MANE Select); coding-DNA position 1805, G replaced by T.
Protein change: p.Ser602Ile; replaces serine 602 with isoleucine.
Molecular consequence: missense variant. On other transcripts: non-coding transcript variant (1).
Genome position (GRCh38, 1-based): chr1:11,835,978, G>T. VCF-style: chr1-11835978-G-T. GRCh37 (hg19) VCF-style: chr1-11896035-G-T.
Other names: c.1739G>T, p.Ser580Ile (NM_001256959.2); short protein forms S580I, S602I.
Identifiers: ClinVar variation 3901611 (VCV003901611.1).

ClinVar aggregate classification (germline): Uncertain significance (1 of 4 stars; one submission).

Submission:

GeneDx
Classification: Uncertain significance. Last evaluated: 2024-11-26. Review status: criteria provided, single submitter. Criteria: GeneDx Variant Classification Process June 2021. Collection method: clinical testing. Allele origin: germline. Affected: yes.
Comment: Not observed at significant frequency in large population cohorts (gnomAD); In silico analysis supports that this missense variant has a deleterious effect on protein structure/function; Has not been previously published as pathogenic or benign to our knowledge